The following is an entry in ClinVar:

NM_001211.6(BUB1B):c.908C>T (p.Ala303Val)

Gene: BUB1B (BUB1 mitotic checkpoint serine/threonine kinase B; plus strand). Cytogenetic location: 15q15.1.
Variant type: single nucleotide variant.
Coding change: c.908C>T on transcript NM_001211.6 (MANE Select); coding-DNA position 908, C replaced by T.
Protein change: p.Ala303Val; replaces alanine 303 with valine.
Molecular consequence: missense variant.
Genome position (GRCh38, 1-based): chr15:40,185,321, C>T. VCF-style: chr15-40185321-C-T. GRCh37 (hg19) VCF-style: chr15-40477522-C-T.
Other names: short protein forms A303V.
Identifiers: ClinVar variation 3483192 (VCV003483192.1).
Genomic context (GRCh38, chr15:40,185,321, plus strand): 5'-CTACAGCAGAGTTGTCTAAGCCTACAGTCCAGCCATGGATAGCACCCCCCATGCCCAGGG[C>T]CAAAGAGAATGAGCTGCAAGCAGGCCCTTGGAACACAGGCAGGTCCTTGGAACACAGGGT-3'
Protein context (NP_001202.5, residues 293-313): QPWIAPPMPR[Ala303Val]KENELQAGPW

ClinVar aggregate classification (germline): Uncertain significance (1 of 4 stars; one submission).

Conditions:
Inborn genetic diseases. Identifiers: MedGen C0950123, MeSH D030342.

gnomAD v4.1: 1 of 1,614,148 alleles (0.000062%); highest among the groups gnomAD compares: South Asian, 0.0011%; no homozygotes.

Submission:

Ambry Genetics
Classification: Uncertain significance for Inborn genetic diseases. Last evaluated: 2024-09-15. Review status: criteria provided, single submitter. Criteria: Ambry Variant Classification Scheme 2023. Collection method: clinical testing. Allele origin: germline.
Comment: The p.A303V variant (also known as c.908C>T), located in coding exon 7 of the BUB1B gene, results from a C to T substitution at nucleotide position 908. The alanine at codon 303 is replaced by valine, an amino acid with similar properties. This amino acid position is conserved. In addition, this alteration is predicted to be tolerated by in silico analysis. Based on the available evidence, the clinical significance of this variant remains unclear.